The following is an entry in ClinVar:

NM_002691.4(POLD1):c.3208A>T (p.Ile1070Phe)

Gene: POLD1 (DNA polymerase delta 1, catalytic subunit; plus strand). Cytogenetic location: 19q13.33.
Variant type: single nucleotide variant.
Coding change: c.3208A>T on transcript NM_002691.4 (MANE Select); coding-DNA position 3208, A replaced by T.
Protein change: p.Ile1070Phe; replaces isoleucine 1070 with phenylalanine.
Molecular consequence: missense variant. On other transcripts: non-coding transcript variant (1).
Genome position (GRCh38, 1-based): chr19:50,417,259, A>T. VCF-style: chr19-50417259-A-T. GRCh37 (hg19) VCF-style: chr19-50920516-A-T.
Other names: c.3208A>T, p.Ile1070Phe (NM_001256849.1); c.3286A>T, p.Ile1096Phe (NM_001308632.1); short protein forms I1096F, I1070F.
Identifiers: ClinVar variation 407950 (VCV000407950.8), dbSNP rs1060501801, ClinGen allele CA16616436.
Genomic context (GRCh38, chr19:50,417,259, plus strand): 5'-CGCTTCTCGCGCCTCTGGACGCAGTGCCAGCGCTGCCAGGGCAGCCTGCACGAGGACGTC[A>T]TCTGCACCAGGTGTGTGCCATGTCCCGACCCTGGGCTGCCCCGCCCCTTCCCAGCTCCCA-3'
Protein context (NP_002682.2, residues 1060-1080): RCQGSLHEDV[Ile1070Phe]CTSRDCPIFY

ClinVar aggregate classification (germline): Uncertain significance (1 of 4 stars; one submission).

Conditions:
POLD1-related polyposis and colorectal cancer syndrome (CRCS10). Also called: Colorectal cancer, susceptibility to, 10; Colorectal cancer 10; COLORECTAL CANCER, SUSCEPTIBILITY TO, ON CHROMOSOME 19q. Identifiers: Orphanet 220460, MedGen C2675481, MONDO:0012953, OMIM 612591.

gnomAD v4.1: 1 of 1,595,890 alleles (0.000063%); no homozygotes.

Submission:

Labcorp Genetics (formerly Invitae), Labcorp
Classification: Uncertain significance for POLD1-related polyposis and colorectal cancer syndrome. Last evaluated: 2016-07-02. Review status: criteria provided, single submitter. Criteria: Invitae Variant Classification Sherloc (09022015). Collection method: clinical testing. Allele origin: germline.
Comment: This sequence change replaces isoleucine with phenylalanine at codon 1070 of the POLD1 protein (p.Ile1070Phe). The isoleucine residue is weakly conserved and there is a small physicochemical difference between isoleucine and phenylalanine. In summary, this variant is a novel missense change with uncertain impact on protein function. It has been classified as a Variant of Uncertain Significance. Algorithms developed to predict the effect of missense changes on protein structure and function do not agree on the potential impact of this missense change (SIFT: "Tolerated"; PolyPhen-2: "Possibly Damaging"; Align-GVGD: "Class C0"). This variant is not present in population databases (ExAC no frequency) and has not been reported in the literature in individuals with a POLD1-related disease.